The following is an entry in ClinVar:

NM_005445.4(SMC3):c.2036A>G (p.Gln679Arg)

Gene: SMC3 (structural maintenance of chromosomes 3; plus strand). Cytogenetic location: 10q25.2.
Variant type: single nucleotide variant.
Coding change: c.2036A>G on transcript NM_005445.4 (MANE Select); coding-DNA position 2036, A replaced by G.
Protein change: p.Gln679Arg; replaces glutamine 679 with arginine.
Molecular consequence: missense variant.
Genome position (GRCh38, 1-based): chr10:110,596,470, A>G. VCF-style: chr10-110596470-A-G. GRCh37 (hg19) VCF-style: chr10-112356228-A-G.
Other names: short protein forms Q679R.
Identifiers: ClinVar variation 3681321 (VCV003681321.2).

ClinVar aggregate classification (germline): Uncertain significance (1 of 4 stars; one submission).

Conditions:
Cornelia de Lange syndrome 3 (CDLS3). Also called: SMC3-Related Cornelia de Lange Syndrome; CORNELIA DE LANGE SYNDROME 3 WITH OR WITHOUT MIDLINE BRAIN DEFECTS. Identifiers: Orphanet 199, MedGen C1853099, MONDO:0012555, OMIM 610759.

gnomAD v4.1: 1 of 1,614,082 alleles (0.000062%); highest among the groups gnomAD compares: South Asian, 0.0011%; no homozygotes.

Submission:

Labcorp Genetics (formerly Invitae), Labcorp
Classification: Uncertain significance for Cornelia de Lange syndrome 3. Last evaluated: 2024-04-25. Review status: criteria provided, single submitter. Criteria: Invitae Variant Classification Sherloc (09022015). Collection method: clinical testing. Allele origin: germline.
Comment: This sequence change replaces glutamine, which is neutral and polar, with arginine, which is basic and polar, at codon 679 of the SMC3 protein (p.Gln679Arg). This variant is present in population databases (no rsID available, gnomAD 0.003%). This variant has not been reported in the literature in individuals affected with SMC3-related conditions. Advanced modeling of protein sequence and biophysical properties (such as structural, functional, and spatial information, amino acid conservation, physicochemical variation, residue mobility, and thermodynamic stability) performed at Invitae indicates that this missense variant is not expected to disrupt SMC3 protein function with a negative predictive value of 80%. In summary, the available evidence is currently insufficient to determine the role of this variant in disease. Therefore, it has been classified as a Variant of Uncertain Significance.